The following is an entry in ClinVar:

ClinVar aggregate classification (germline): Uncertain significance (1 of 4 stars; one submission).

Allele frequency attached by ClinVar (database versions not stated): gnomAD 0.00001; gnomAD exomes 0.00001; ExAC 0.00002; TOPMed 0.00004.

Submission:

Labcorp Genetics (formerly Invitae), Labcorp
Classification: Uncertain significance. Last evaluated: 2024-09-01. Review status: criteria provided, single submitter. Criteria: Invitae Variant Classification Sherloc (09022015). Collection method: clinical testing. Allele origin: germline.
Comment: This sequence change replaces arginine, which is basic and polar, with glutamine, which is neutral and polar, at codon 43 of the MYO18B protein (p.Arg43Gln). This variant is present in population databases (rs765087033, gnomAD 0.007%). This variant has not been reported in the literature in individuals affected with MYO18B-related conditions. ClinVar contains an entry for this variant (Variation ID: 1347884). An algorithm developed to predict the effect of missense changes on protein structure and function (PolyPhen-2) suggests that this variant is likely to be disruptive. In summary, the available evidence is currently insufficient to determine the role of this variant in disease. Therefore, it has been classified as a Variant of Uncertain Significance.

NM_032608.7(MYO18B):c.128G>A (p.Arg43Gln)

Gene: MYO18B (myosin XVIIIB; plus strand). Cytogenetic location: 22q12.1.
Variant type: single nucleotide variant.
Coding change: c.128G>A on transcript NM_032608.7 (MANE Select); coding-DNA position 128, G replaced by A.
Protein change: p.Arg43Gln; replaces arginine 43 with glutamine.
Molecular consequence: missense variant.
Genome position (GRCh38, 1-based): chr22:25,763,319, G>A. VCF-style: chr22-25763319-G-A. GRCh37 (hg19) VCF-style: chr22-26159286-G-A.
Other names: c.128G>A, p.Arg43Gln (NM_001318245.2); short protein forms R43Q.
Identifiers: ClinVar variation 1347884 (VCV001347884.8), dbSNP rs765087033, ClinGen allele CA10159498.
Genomic context (GRCh38, chr22:25,763,319, plus strand): 5'-CATCCTCGCCCCCTCCTCTTTTCTCTGTCATCCCAGGGGGCTTCATTAAGCAACTGGTCC[G>A]GGGGACTGAAAAAGAGGCCAAGGAAGCGAGACAGAGGAAGCAGTTAGCTGTCGCCTCTCC-3'
Protein context (NP_115997.5, residues 33-53): IPGGFIKQLV[Arg43Gln]GTEKEAKEAR